The following is an entry in ClinVar:

ClinVar aggregate classification (germline): Conflicting classifications of pathogenicity. Review status: criteria provided, conflicting classifications (1 of 4 stars). 8 submissions from 8 submitters: Uncertain significance (7); Likely benign (1). Last evaluated 2026-03-30.

Conditions:
DSP-related disorder. Also called: DSP-related condition; DSP-related disorders.
Cardiovascular phenotype. Identifiers: MedGen CN230736.
Woolly hair-skin fragility syndrome (WHSF). Identifiers: Orphanet 293165, MedGen C1843292, MONDO:0957307, OMIM 620415.
Lethal acantholytic epidermolysis bullosa (EBLA). Identifiers: Orphanet 158687, MedGen C1864826, MONDO:0012323, OMIM 609638.
Cardiomyopathy, dilated, with wooly hair, keratoderma, and tooth agenesis. Also called: Erythrokeratodermia-cardiomyopathy syndrome; Cardiomyopathy, dilated, with woolly hair, keratoderma, and tooth agenesis. Identifiers: Orphanet 476096, Orphanet 65282, MedGen C4014393, MONDO:0014355, OMIM 615821.
Keratosis palmoplantaris striata 2. Also called: Keratosis palmoplantaris striata II; KERATODERMA, PALMOPLANTAR, STRIATE FORM II; STRIATE PALMOPLANTAR KERATODERMA II. Identifiers: MedGen C1852127, MONDO:0013034, OMIM 612908.
Arrhythmogenic right ventricular dysplasia 8 (ARVD8). Also called: ARRHYTHMOGENIC RIGHT VENTRICULAR CARDIOMYOPATHY 8; ARRHYTHMOGENIC RIGHT VENTRICULAR DYSPLASIA, FAMILIAL, 8; Arrhythmogenic Right Ventricular Dysplasia/Cardiomyopathy 8. Identifiers: MedGen C1843896, MONDO:0011831, OMIM 607450.
Arrhythmogenic cardiomyopathy with wooly hair and keratoderma. Also called: Dilated cardiomyopathy with woolly hair and keratoderma; PALMOPLANTAR KERATODERMA WITH LEFT VENTRICULAR CARDIOMYOPATHY AND WOOLLY HAIR; Arrhythmogenic cardiomyopathy with woolly hair and keratoderma; Carvajal syndrome. Identifiers: Orphanet 65282, MedGen C1854063, MONDO:0011581, OMIM 605676.
Cardiomyopathy (CMYO). Also called: Cardiomyopathies. Identifiers: Orphanet 167848, MedGen C0878544, MONDO:0004994, HP:0001638. Inheritance: Various modes of inheritance.

Allele frequency attached by ClinVar (database versions not stated): gnomAD 0.00003; gnomAD exomes 0.00003 and 0.00004; TOPMed 0.00003; ExAC 0.00007; ESP Exome Variant Server 0.00015; 1000 Genomes Project 0.00020; 1000 Genomes Project 30x 0.00031.
gnomAD v4.1: 49 of 1,614,114 alleles (0.003%); highest among the groups gnomAD compares: Middle Eastern, 0.033%; no homozygotes.

Submissions (8):

PreventionGenetics, part of Exact Sciences
Classification: Uncertain significance for DSP-related condition. Last evaluated: 2026-03-30. Review status: criteria provided, single submitter. Criteria: ACMG Guidelines, 2015. Collection method: clinical testing. Allele origin: germline.
Comment: The DSP c.1103T>C variant is predicted to result in the amino acid substitution p.Ile368Thr. This variant has been reported in multiple individuals with cardiomyopathy, including one who succumbed to sudden unexpected death (Table S1, Walsh et al. 2017. PubMed ID: 27532257; Table S2, Di Resta et al. 2015. PubMed ID: 26220970; Santori et al. 2015. PubMed ID: 26272908). This variant is reported in 0.0097% of alleles in individuals of Ashkenazi Jewish descent in gnomAD. At this time, the clinical significance of this variant is uncertain due to the absence of conclusive functional and genetic evidence.

Labcorp Genetics (formerly Invitae), Labcorp
Classification: Likely benign for Arrhythmogenic cardiomyopathy with wooly hair and keratoderma; Arrhythmogenic right ventricular dysplasia 8. Last evaluated: 2026-01-23. Review status: criteria provided, single submitter. Criteria: Invitae Variant Classification Sherloc (09022015). Collection method: clinical testing. Allele origin: germline.

Color Diagnostics, LLC DBA Color Health
Classification: Uncertain significance for Cardiomyopathy. Last evaluated: 2025-06-24. Review status: criteria provided, single submitter. Criteria: ACMG Guidelines, 2015. Collection method: clinical testing. Allele origin: germline.
Comment: This missense variant replaces isoleucine with threonine at codon 368 of the DSP protein. Computational prediction suggests that this variant may have deleterious impact on protein structure and function. To our knowledge, functional studies have not been reported for this variant. This variant has been reported in an individual affected with sudden infant death (PMID: 26272908), in an individual affected with Brugada syndrome (PMID: 26220970), and in an individual affected arrhythmogenic right ventricular cardiomyopathy (PMID: 27532257). This variant has also been identified in 12/282674 chromosomes in the general population by the Genome Aggregation Database (gnomAD). The available evidence is insufficient to determine the role of this variant in disease conclusively. Therefore, this variant is classified as a Variant of Uncertain Significance.

Blueprint Genetics
Classification: Uncertain significance. Last evaluated: 2024-11-05. Review status: criteria provided, single submitter. Criteria: ACMG Guidelines, 2015. Collection method: clinical testing. Allele origin: germline.

All of Us Research Program, National Institutes of Health
Classification: Uncertain significance for Arrhythmogenic cardiomyopathy with wooly hair and keratoderma. Last evaluated: 2024-09-23. Review status: criteria provided, single submitter. Criteria: ACMG Guidelines, 2015. Collection method: clinical testing. Allele origin: germline. Inheritance: Autosomal dominant inheritance. Observed: 11 variant alleles, 11 heterozygotes.
Comment: This missense variant replaces isoleucine with threonine at codon 368 of the DSP protein. Computational prediction suggests that this variant may have deleterious impact on protein structure and function (internally defined REVEL score threshold >= 0.7, PMID: 27666373). To our knowledge, functional studies have not been reported for this variant. This variant has been reported in an individual affected with sudden infant death (PMID: 26272908), in an individual affected with Brugada syndrome (PMID: 26220970), and in an individual affected arrhythmogenic right ventricular cardiomyopathy (PMID: 27532257). This variant has also been identified in 12/282674 chromosomes in the general population by the Genome Aggregation Database (gnomAD). The available evidence is insufficient to determine the role of this variant in disease conclusively. Therefore, this variant is classified as a Variant of Uncertain Significance.

This study involves interpretation of variants in research participants for the purpose of population health screening. Participant phenotype was not available at the time of variant classification. Additional details can be found in publication PMID: 35346344, PMCID: PMC8962531

Ambry Genetics
Classification: Uncertain significance for Cardiovascular phenotype. Last evaluated: 2023-11-30. Review status: criteria provided, single submitter. Criteria: Ambry Variant Classification Scheme 2023. Collection method: clinical testing. Allele origin: germline.
Comment: The p.I368T variant (also known as c.1103T>C), located in coding exon 9 of the DSP gene, results from a T to C substitution at nucleotide position 1103. The isoleucine at codon 368 is replaced by threonine, an amino acid with similar properties. This alteration has been reported in cardiomyopathy cohorts, as well as a sudden unexplained death cohort and a Brugada syndrome cohort (Santori M et al. Arch Dis Child, 2015 Oct;100:952-6; Di Resta C et al. Hum Mol Genet, 2015 Oct;24:5828-35; Walsh R et al. Genet Med, 2017 02;19:192-203; Goli R et al. Circulation, 2021 May;143:1852-1862; Ware SM et al. Am J Hum Genet, 2022 Feb;109:282-298). This amino acid position is highly conserved in available vertebrate species. In addition, this alteration is predicted to be deleterious by in silico analysis. Since supporting evidence is limited at this time, the clinical significance of this alteration remains unclear.

Fulgent Genetics
Classification: Uncertain significance for Arrhythmogenic cardiomyopathy with wooly hair and keratoderma; Arrhythmogenic right ventricular dysplasia 8; Lethal acantholytic epidermolysis bullosa; Keratosis palmoplantaris striata 2; Cardiomyopathy, dilated, with wooly hair, keratoderma, and tooth agenesis. Last evaluated: 2021-11-17. Review status: criteria provided, single submitter. Criteria: ACMG Guidelines, 2015. Collection method: clinical testing. Allele origin: unknown.

GeneDx
Classification: Uncertain significance. Last evaluated: 2020-08-07. Review status: criteria provided, single submitter. Criteria: GeneDx Variant Classification Process June 2021. Collection method: clinical testing. Allele origin: germline. Affected: yes.
Comment: Reported in a patient with Brugada syndrome in the literature (Di Resta et al., 2015), but clinical information and segregation information not available; In silico analysis supports that this missense variant has a deleterious effect on protein structure/function; This variant is associated with the following publications: (PMID: 31402444, 27532257, 26220970)

Literature cited by the submitters: PubMed 26220970 (cited by 3 submitters); PubMed 26272908 (cited by 3 submitters); PubMed 27532257 (cited by 3 submitters); PubMed 33874732 (cited by Ambry Genetics); PubMed 35026164 (cited by Ambry Genetics).

NM_004415.4(DSP):c.1103T>C (p.Ile368Thr)

Gene: DSP (desmoplakin; plus strand). Cytogenetic location: 6p24.3.
Variant type: single nucleotide variant.
Coding change: c.1103T>C on transcript NM_004415.4 (MANE Select); coding-DNA position 1103, T replaced by C.
Protein change: p.Ile368Thr; replaces isoleucine 368 with threonine.
Molecular consequence: missense variant.
Genome position (GRCh38, 1-based): chr6:7,567,412, T>C. VCF-style: chr6-7567412-T-C. GRCh37 (hg19) VCF-style: chr6-7567645-T-C.
Other names: c.1103T>C, p.Ile368Thr (NM_001008844.3, NM_001319034.2); c.1103T>C (NM_004415.3, LRG_423t1); short protein forms I368T.
Identifiers: ClinVar variation 246657 (VCV000246657.23), dbSNP rs141163578, ClinGen allele CA026976.